The following is an entry in ClinVar:

NM_000318.3(PEX2):c.-164C>A

Gene: PEX2 (peroxisomal biogenesis factor 2; minus strand). Cytogenetic location: 8q21.13.
Variant type: single nucleotide variant.
Coding change: c.-164C>A on transcript NM_000318.3 (MANE Select); 164 bases upstream of the start codon, C replaced by A.
Molecular consequence: 5 prime UTR variant.
Genome position (GRCh38, 1-based): chr8:76,999,994, G>T on the plus strand (C>A on the coding strand, the complement: PEX2 is on the minus strand). VCF-style: chr8-76999994-G-T. GRCh37 (hg19) VCF-style: chr8-77912230-G-T.
Other names: c.-132C>A (NM_001079867.2); c.-164C>A (NM_001172086.2); c.-22C>A (NM_001172087.2).
Identifiers: ClinVar variation 363820 (VCV000363820.6), dbSNP rs12718, ClinGen allele CA4788808.

ClinVar aggregate classification (germline): Benign. Review status: criteria provided, multiple submitters, no conflicts (2 of 4 stars). 2 submissions from 2 submitters: Benign (2). Last evaluated 2018-01-13.

Conditions:
Peroxisome biogenesis disorder 5A (Zellweger) (PBD5A). Identifiers: Orphanet 912, MedGen C3553940, MONDO:0013932, OMIM 614866.

Allele frequency attached by ClinVar (database versions not stated): gnomAD 0.21609; ExAC 0.25183; 1000 Genomes Project 30x 0.27608; 1000 Genomes Project 0.27776; TOPMed 0.23749; gnomAD exomes 0.25010.
gnomAD v4.1: 104,479 of 456,014 alleles (23%); highest among the groups gnomAD compares: Admixed American, 35%; 13,001 homozygotes.

Submissions (2):

Illumina Laboratory Services, Illumina
Classification: Benign for Peroxisome biogenesis disorder 5A (Zellweger). Last evaluated: 2018-01-13. Review status: criteria provided, single submitter. Criteria: ICSL Variant Classification Criteria 13 December 2019. Collection method: clinical testing. Allele origin: germline.
Comment: This variant was observed in the ICSL laboratory as part of a predisposition screen in an ostensibly healthy population. It had not been previously curated by ICSL or reported in the Human Gene Mutation Database (HGMD: prior to June 1st, 2018), and was therefore a candidate for classification through an automated scoring system. Utilizing variant allele frequency, disease prevalence and penetrance estimates, and inheritance mode, an automated score was calculated to assess if this variant is too frequent to cause the disease. Based on the score and internal cut-off values, a variant classified as benign is not then subjected to further curation. The score for this variant resulted in a classification of benign for this disease.

Breakthrough Genomics
Classification: Benign. Review status: criteria provided, single submitter. Criteria: ACMG Guidelines, 2015. Collection method: not provided. Allele origin: germline. Inheritance: Autosomal recessive inheritance. Affected: yes.